The following is an entry in ClinVar:

NM_001005273.3(CHD3):c.2695C>T (p.Leu899Phe)

Gene: CHD3 (chromodomain helicase DNA binding protein 3; plus strand). Cytogenetic location: 17p13.1.
Variant type: single nucleotide variant.
Coding change: c.2695C>T on transcript NM_001005273.3 (MANE Select); coding-DNA position 2695, C replaced by T.
Protein change: p.Leu899Phe; replaces leucine 899 with phenylalanine.
Molecular consequence: missense variant.
Genome position (GRCh38, 1-based): chr17:7,900,302, C>T. VCF-style: chr17-7900302-C-T. GRCh37 (hg19) VCF-style: chr17-7803620-C-T.
Other names: c.2872C>T, p.Leu958Phe (NM_001005271.3); c.2695C>T, p.Leu899Phe (NM_005852.4); short protein forms L899F, L958F.
Identifiers: ClinVar variation 1502622 (VCV001502622.8), dbSNP rs1970159341, ClinGen allele CA397940122.

ClinVar aggregate classification (germline): Uncertain significance (1 of 4 stars; one submission).

Submission:

Labcorp Genetics (formerly Invitae), Labcorp
Classification: Uncertain significance. Last evaluated: 2021-06-30. Review status: criteria provided, single submitter. Criteria: Invitae Variant Classification Sherloc (09022015). Collection method: clinical testing. Allele origin: germline.
Comment: This sequence change replaces leucine with phenylalanine at codon 958 of the CHD3 protein (p.Leu958Phe). The leucine residue is highly conserved and there is a small physicochemical difference between leucine and phenylalanine. This variant is not present in population databases (ExAC no frequency). This variant has not been reported in the literature in individuals affected with CHD3-related conditions. Algorithms developed to predict the effect of missense changes on protein structure and function are either unavailable or do not agree on the potential impact of this missense change (SIFT: "Deleterious"; PolyPhen-2: "Possibly Damaging"; Align-GVGD: "Class C15"). In summary, the available evidence is currently insufficient to determine the role of this variant in disease. Therefore, it has been classified as a Variant of Uncertain Significance.